The following is an entry in ClinVar:

NM_019098.5(CNGB3):c.130-1G>A

Gene: CNGB3 (cyclic nucleotide gated channel subunit beta 3; minus strand). Cytogenetic location: 8q21.3.
Variant type: single nucleotide variant.
Coding change: c.130-1G>A on transcript NM_019098.5 (MANE Select); the canonical splice acceptor site of the intron before coding-DNA position 130, G replaced by A.
Molecular consequence: splice acceptor variant.
Genome position (GRCh38, 1-based): chr8:86,739,737, C>T on the plus strand (G>A on the coding strand, the complement: CNGB3 is on the minus strand). VCF-style: chr8-86739737-C-T. GRCh37 (hg19) VCF-style: chr8-87751965-C-T.
Identifiers: ClinVar variation 1067753 (VCV001067753.12), dbSNP rs1554619303, ClinGen allele CA371456818.

ClinVar aggregate classification (germline): Likely pathogenic. Review status: criteria provided, multiple submitters, no conflicts (2 of 4 stars). 3 submissions from 3 submitters: Likely pathogenic (2). 1 of the submissions does not count toward it. Last evaluated 2023-05-30.

Conditions:
Achromatopsia 3 (ACHM3). Also called: PINGELAPESE BLINDNESS; TOTAL COLORBLINDNESS WITH MYOPIA; ROD MONOCHROMACY 1; ROD MONOCHROMATISM 1; ACHROMATOPSIA WITH MYOPIA. Identifiers: Orphanet 49382, MedGen C1849792, MONDO:0009875, OMIM 262300.
Achromatopsia. Also called: Rod monochromatism. Identifiers: Orphanet 49382, MedGen C0152200, MONDO:0018852, HP:0011516.

Submissions (3):

Labcorp Genetics (formerly Invitae), Labcorp
Classification: Likely pathogenic. Last evaluated: 2023-05-30. Review status: criteria provided, single submitter. Criteria: Invitae Variant Classification Sherloc (09022015). Collection method: clinical testing. Allele origin: germline.
Comment: ClinVar contains an entry for this variant (Variation ID: 1067753). Disruption of this splice site has been observed in individual(s) with achromatopsia (PMID: 28795510). This variant is not present in population databases (gnomAD no frequency). This sequence change affects an acceptor splice site in intron 1 of the CNGB3 gene. It is expected to disrupt RNA splicing. Variants that disrupt the donor or acceptor splice site typically lead to a loss of protein function (PMID: 16199547), and loss-of-function variants in CNGB3 are known to be pathogenic (PMID: 28795510). Algorithms developed to predict the effect of sequence changes on RNA splicing suggest that this variant may disrupt the consensus splice site. In summary, the currently available evidence indicates that the variant is pathogenic, but additional data are needed to prove that conclusively. Therefore, this variant has been classified as Likely Pathogenic.

Juno Genomics, Hangzhou Juno Genomics, Inc
Classification: Likely pathogenic for Achromatopsia 3. Review status: criteria provided, single submitter. Criteria: ACMG Guidelines, 2015. Collection method: clinical testing. Allele origin: germline.
Comment: Null variant in a gene where loss of function (LOF) is a known mechanism of disease.;Absent from controls (or at extremely low frequency if recessive) in Genome Aggregation Database.

Natera, Inc.
Classification: Likely pathogenic for Achromatopsia. Last evaluated: 2021-04-17. Review status: no assertion criteria provided. Collection method: clinical testing. Allele origin: germline. Not counted in ClinVar's aggregate classification.

Literature cited by the submitters: PubMed 28795510 (cited by Labcorp Genetics (formerly Invitae), Labcorp); PubMed 16199547 (cited by Labcorp Genetics (formerly Invitae), Labcorp).